The following is an entry in ClinVar:

NM_013275.6(ANKRD11):c.3431C>T (p.Pro1144Leu)

Gene: ANKRD11 (ankyrin repeat domain 11; minus strand). Cytogenetic location: 16q24.3.
Variant type: single nucleotide variant.
Coding change: c.3431C>T on transcript NM_013275.6 (MANE Select); coding-DNA position 3431, C replaced by T.
Protein change: p.Pro1144Leu; replaces proline 1144 with leucine.
Molecular consequence: missense variant.
Genome position (GRCh38, 1-based): chr16:89,283,111, G>A on the plus strand (C>T on the coding strand, the complement: ANKRD11 is on the minus strand). VCF-style: chr16-89283111-G-A. GRCh37 (hg19) VCF-style: chr16-89349519-G-A.
Other names: c.3431C>T, p.Pro1144Leu (NM_001256182.2, NM_001256183.2); c.3431C>T (NM_013275.4); short protein forms P1144L.
Identifiers: ClinVar variation 703225 (VCV000703225.42), dbSNP rs137894790, ClinGen allele CA8242365.
Genomic context (GRCh38, chr16:89,283,111, plus strand): 5'-TGTCTGTCGGAGGCATAGGCCTCCCGTCCTTCCTCCTTCTCCTGGAGGCCGTCCGTCCTC[G>A]GCAAGTCGCTGGCCTCTCCCATCTTGAACCCGCTCCCCATGCAGCTGTCTCTGTCGTCCT-3'
Protein context (NP_037407.4, residues 1134-1154): GFKMGEASDL[Pro1144Leu]RTDGLQEKEE

ClinVar aggregate classification (germline): Benign/Likely benign. Review status: criteria provided, multiple submitters, no conflicts (2 of 4 stars). 7 submissions from 7 submitters: Benign (4); Likely benign (3). Last evaluated 2025-10-26.

Conditions:
KBG syndrome (KBGS). Also called: ANKRD11-Related KBG Syndrome. Identifiers: Orphanet 2332, MedGen C0220687, MONDO:0007846, OMIM 148050.
Inborn genetic diseases. Identifiers: MedGen C0950123, MeSH D030342.

Allele frequency attached by ClinVar (database versions not stated): ESP Exome Variant Server 0.00008; TOPMed 0.00111; 1000 Genomes Project 30x 0.00297; 1000 Genomes Project 0.00339.
gnomAD v4.1: 783 of 1,613,860 alleles (0.049%); highest among the groups gnomAD compares: East Asian, 1.4%; 13 homozygotes.

Submissions (7):

Labcorp Genetics (formerly Invitae), Labcorp
Classification: Benign for KBG syndrome. Last evaluated: 2025-10-26. Review status: criteria provided, single submitter. Criteria: Invitae Variant Classification Sherloc (09022015). Collection method: clinical testing. Allele origin: germline.

Blueprint Genetics
Classification: Likely benign. Last evaluated: 2024-10-11. Review status: criteria provided, single submitter. Criteria: ACMG Guidelines, 2015. Collection method: clinical testing. Allele origin: germline.

CeGaT Center for Human Genetics Tuebingen
Classification: Likely benign. Last evaluated: 2022-11-01. Review status: criteria provided, single submitter. Criteria: CeGaT Center For Human Genetics Tuebingen Variant Classification Criteria Version 2. Collection method: clinical testing. Allele origin: germline. Affected: yes. Observed: 4 variant alleles.
Comment: ANKRD11: BP4, BS1

Fulgent Genetics
Classification: Likely benign for KBG syndrome. Last evaluated: 2022-05-10. Review status: criteria provided, single submitter. Criteria: ACMG Guidelines, 2015. Collection method: clinical testing. Allele origin: unknown.

Genome-Nilou Lab
Classification: Benign for KBG syndrome. Last evaluated: 2021-12-05. Review status: criteria provided, single submitter. Criteria: ACMG Guidelines, 2015. Collection method: clinical testing. Allele origin: germline. Affected: no.

GeneDx
Classification: Benign. Last evaluated: 2020-12-07. Review status: criteria provided, single submitter. Criteria: GeneDx Variant Classification Process June 2021. Collection method: clinical testing. Allele origin: germline. Affected: yes.

Ambry Genetics
Classification: Benign for Inborn genetic diseases. Last evaluated: 2017-07-24. Review status: criteria provided, single submitter. Criteria: Ambry Variant Classification Scheme 2023. Collection method: clinical testing. Allele origin: germline.